The following is an entry in ClinVar:

ClinVar aggregate classification (germline): Likely benign. Review status: criteria provided, multiple submitters, no conflicts (2 of 4 stars). 4 submissions from 4 submitters: Likely benign (4). Last evaluated 2025-09-30.

Conditions:
Inborn genetic diseases. Identifiers: MedGen C0950123, MeSH D030342.
Charcot-Marie-Tooth disease type 2. Also called: Charcot-Marie-Tooth type 2. Identifiers: Orphanet 64746, MedGen C0270914, MONDO:0018993.

Allele frequency attached by ClinVar (database versions not stated): gnomAD 0.00001; TOPMed 0.00001.
gnomAD v4.1: 20 of 1,613,894 alleles (0.0012%); highest among the groups gnomAD compares: Non-Finnish European, 0.0014%; no homozygotes.

Submissions (4):

Labcorp Genetics (formerly Invitae), Labcorp
Classification: Likely benign for Charcot-Marie-Tooth disease type 2. Last evaluated: 2025-09-30. Review status: criteria provided, single submitter. Criteria: Invitae Variant Classification Sherloc (09022015). Collection method: clinical testing. Allele origin: germline.

Blueprint Genetics
Classification: Likely benign. Last evaluated: 2021-08-12. Review status: criteria provided, single submitter. Criteria: ACMG Guidelines, 2015. Collection method: clinical testing. Allele origin: germline.

Ambry Genetics
Classification: Likely benign for Inborn genetic diseases. Last evaluated: 2019-07-11. Review status: criteria provided, single submitter. Criteria: Ambry Variant Classification Scheme 2023. Collection method: clinical testing. Allele origin: germline.

GeneDx
Classification: Likely benign. Last evaluated: 2017-06-26. Review status: criteria provided, single submitter. Criteria: GeneDx Variant Classification (06012015). Collection method: clinical testing. Allele origin: germline. Affected: yes.
Comment: This variant is considered likely benign or benign based on one or more of the following criteria: it is a conservative change, it occurs at a poorly conserved position in the protein, it is predicted to be benign by multiple in silico algorithms, and/or has population frequency not consistent with disease.

NM_001605.3(AARS1):c.2112C>T (p.Ser704=)

Gene: AARS1 (alanyl-tRNA synthetase 1; minus strand). Cytogenetic location: 16q22.1.
Variant type: single nucleotide variant.
Coding change: c.2112C>T on transcript NM_001605.3 (MANE Select); coding-DNA position 2112, C replaced by T.
Protein change: p.Ser704=; no amino-acid change (serine 704 retained).
Molecular consequence: synonymous variant.
Genome position (GRCh38, 1-based): chr16:70,258,098, G>A on the plus strand (C>T on the coding strand, the complement: AARS1 is on the minus strand). VCF-style: chr16-70258098-G-A. GRCh37 (hg19) VCF-style: chr16-70292001-G-A.
Identifiers: ClinVar variation 510418 (VCV000510418.13), dbSNP rs936240936, ClinGen allele CA283429392.
Genomic context (GRCh38, chr16:70,258,098, plus strand): 5'-CCCACAGAACTCAACAGAAGTCAGGGAGCCAGCAGGCCCAGAGGGGTCATCCAGCAACTC[G>A]GACACCGGGACCCCAATGGAGACGACTCGCACAGGGTCAGGATAGGTCTCATCAAACACA-3'
Protein context (NP_001596.2, residues 694-714): VRVVSIGVPV[Ser704=]ELLDDPSGPA